The following is an entry in ClinVar:

NM_144670.6(A2ML1):c.3353G>A (p.Ser1118Asn)

Gene: A2ML1 (alpha-2-macroglobulin like 1; plus strand). Cytogenetic location: 12p13.31.
Variant type: single nucleotide variant.
Coding change: c.3353G>A on transcript NM_144670.6 (MANE Select); coding-DNA position 3353, G replaced by A.
Protein change: p.Ser1118Asn; replaces serine 1118 with asparagine.
Molecular consequence: missense variant.
Genome position (GRCh38, 1-based): chr12:8,861,148, G>A. VCF-style: chr12-8861148-G-A. GRCh37 (hg19) VCF-style: chr12-9013744-G-A.
Other names: c.1880G>A, p.Ser627Asn (NM_001282424.3); short protein forms S627N, S1118N.
Identifiers: ClinVar variation 1483878 (VCV001483878.8), dbSNP rs1443570651, ClinGen allele CA383840446.

ClinVar aggregate classification (germline): Uncertain significance (1 of 4 stars; one submission).

Allele frequency attached by ClinVar (database versions not stated): TOPMed 0.00001; gnomAD 0.00002.
gnomAD v4.1: 3 of 1,614,046 alleles (0.00019%); highest among the groups gnomAD compares: African/African-American, 0.0013%; no homozygotes.

Submission:

Labcorp Genetics (formerly Invitae), Labcorp
Classification: Uncertain significance. Last evaluated: 2022-07-19. Review status: criteria provided, single submitter. Criteria: Invitae Variant Classification Sherloc (09022015). Collection method: clinical testing. Allele origin: germline.
Comment: Algorithms developed to predict the effect of missense changes on protein structure and function output the following: SIFT: "Tolerated"; PolyPhen-2: "Benign"; Align-GVGD: "Class C0". The asparagine amino acid residue is found in multiple mammalian species, which suggests that this missense change does not adversely affect protein function. In summary, the available evidence is currently insufficient to determine the role of this variant in disease. Therefore, it has been classified as a Variant of Uncertain Significance. ClinVar contains an entry for this variant (Variation ID: 1483878). This variant has not been reported in the literature in individuals affected with A2ML1-related conditions. This variant is present in population databases (no rsID available, gnomAD 0.007%). This sequence change replaces serine, which is neutral and polar, with asparagine, which is neutral and polar, at codon 1118 of the A2ML1 protein (p.Ser1118Asn).